The following is an entry in ClinVar:

ClinVar aggregate classification (germline): Uncertain significance (0 of 4 stars; one submission).

Conditions:
COL5A2-related disorder. Also called: COL5A2-related condition.

Submission:

PreventionGenetics, part of Exact Sciences
Classification: Uncertain significance for COL5A2-related condition. Last evaluated: 2024-08-13. Review status: no assertion criteria provided. Collection method: clinical testing. Allele origin: germline.
Comment: The COL5A2 c.3963A>C variant is predicted to result in the amino acid substitution p.Glu1321Asp. To our knowledge, this variant has not been reported in the literature or in a large population database, indicating this variant is rare. At this time, the clinical significance of this variant is uncertain due to the absence of conclusive functional and genetic evidence.

NM_000393.5(COL5A2):c.3963A>C (p.Glu1321Asp)

Gene: COL5A2 (collagen type V alpha 2 chain; minus strand). Cytogenetic location: 2q32.2.
Variant type: single nucleotide variant.
Coding change: c.3963A>C on transcript NM_000393.5 (MANE Select); coding-DNA position 3963, A replaced by C.
Protein change: p.Glu1321Asp; replaces glutamic acid 1321 with aspartic acid.
Molecular consequence: missense variant.
Genome position (GRCh38, 1-based): chr2:189,036,766, T>G on the plus strand (A>C on the coding strand, the complement: COL5A2 is on the minus strand). VCF-style: chr2-189036766-T-G. GRCh37 (hg19) VCF-style: chr2-189901492-T-G.
Other names: short protein forms E1321D.
Identifiers: ClinVar variation 3345506 (VCV003345506.1).